The following is an entry in ClinVar:

ClinVar aggregate classification (germline): Uncertain significance. Review status: criteria provided, multiple submitters, no conflicts (2 of 4 stars). 3 submissions from 3 submitters: Uncertain significance (3). Last evaluated 2023-10-01.

Conditions:
Retinal dystrophy. Also called: Inherited retinal dystrophy. Identifiers: Orphanet 71862, MedGen C0854723, MeSH D058499, MONDO:0019118, HP:0000556.

Allele frequency attached by ClinVar (database versions not stated): TOPMed below 0.00001; ExAC 0.00001; gnomAD exomes 0.00003.
gnomAD v4.1: 15 of 1,614,202 alleles (0.00093%); highest among the groups gnomAD compares: East Asian, 0.033%; no homozygotes.

Submissions (3):

Dept Of Ophthalmology, Nagoya University
Classification: Uncertain significance for Retinal dystrophy. Last evaluated: 2023-10-01. Review status: criteria provided, single submitter. Criteria: Submitter's publication. Collection method: research. Allele origin: germline. Affected: yes.

Blueprint Genetics
Classification: Uncertain significance. Last evaluated: 2022-10-27. Review status: criteria provided, single submitter. Criteria: ACMG Guidelines, 2015. Collection method: clinical testing. Allele origin: germline.

Labcorp Genetics (formerly Invitae), Labcorp
Classification: Uncertain significance. Last evaluated: 2022-01-16. Review status: criteria provided, single submitter. Criteria: Invitae Variant Classification Sherloc (09022015). Collection method: clinical testing. Allele origin: germline.
Comment: This sequence change replaces cysteine, which is neutral and slightly polar, with arginine, which is basic and polar, at codon 406 of the CYP4V2 protein (p.Cys406Arg). This variant is present in population databases (rs775536105, gnomAD 0.02%). This missense change has been observed in individual(s) with Bietti crystalline dystrophy (PMID: 30429639). In at least one individual the data is consistent with being in trans (on the opposite chromosome) from a pathogenic variant. Advanced modeling of protein sequence and biophysical properties (such as structural, functional, and spatial information, amino acid conservation, physicochemical variation, residue mobility, and thermodynamic stability) performed at Invitae indicates that this missense variant is not expected to disrupt CYP4V2 protein function. In summary, the available evidence is currently insufficient to determine the role of this variant in disease. Therefore, it has been classified as a Variant of Uncertain Significance.

Literature cited by the submitters: PubMed 30429639 (cited by Labcorp Genetics (formerly Invitae), Labcorp).

NM_207352.4(CYP4V2):c.1216T>C (p.Cys406Arg)

Gene: CYP4V2 (cytochrome P450 family 4 subfamily V member 2; plus strand). Cytogenetic location: 4q35.2.
Variant type: single nucleotide variant.
Coding change: c.1216T>C on transcript NM_207352.4 (MANE Select); coding-DNA position 1216, T replaced by C.
Protein change: p.Cys406Arg; replaces cysteine 406 with arginine.
Molecular consequence: missense variant.
Genome position (GRCh38, 1-based): chr4:186,208,990, T>C. VCF-style: chr4-186208990-T-C. GRCh37 (hg19) VCF-style: chr4-187130144-T-C.
Other names: short protein forms C406R.
Identifiers: ClinVar variation 2151994 (VCV002151994.3), dbSNP rs775536105, ClinGen allele CA3162788.